The following is an entry in ClinVar:

NM_001377540.1(SLMAP):c.1798G>A (p.Glu600Lys)

Gene: SLMAP (sarcolemma associated protein; plus strand). Cytogenetic location: 3p14.3.
Variant type: single nucleotide variant.
Coding change: c.1798G>A on transcript NM_001377540.1 (MANE Select); coding-DNA position 1798, G replaced by A.
Protein change: p.Glu600Lys; replaces glutamic acid 600 with lysine.
Molecular consequence: missense variant. On other transcripts: non-coding transcript variant (1).
Genome position (GRCh38, 1-based): chr3:57,912,479, G>A. VCF-style: chr3-57912479-G-A. GRCh37 (hg19) VCF-style: chr3-57898206-G-A.
Other names: c.1747G>A, p.Glu583Lys (NM_001304420.3, NM_001377541.1, NM_001377542.1); c.1633G>A, p.Glu545Lys (NM_001304421.2, NM_001377557.1, NM_001377559.1); c.349G>A, p.Glu117Lys (NM_001304422.3, NM_001311178.2); c.151G>A, p.Glu51Lys (NM_001304423.3); c.226G>A, p.Glu76Lys (NM_001311179.2, NM_001377926.1, NM_001377927.1 and 1 more transcripts); c.1819G>A, p.Glu607Lys (NM_001377538.1); c.1798G>A, p.Glu600Lys (NM_001377539.1); c.1735G>A, p.Glu579Lys (NM_001377545.1); and 8 more; short protein forms E525K, E583K, E538K, E600K, E76K, E117K, E504K, E521K.
Identifiers: ClinVar variation 1778234 (VCV001778234.6), dbSNP rs753780730, ClinGen allele CA2467243.
Genomic context (GRCh38, chr3:57,912,479, plus strand): 5'-CGGGAGGAGAAGGACAGTGAAATCACAAGTACTAGAGATGAATTGCTTAGTGCCCGAGAT[G>A]AAATTTTGCTCCTTCATCAAGCAGCAGCAAAGGTTGCCTCTGAGCGGGACACTGACATTG-3'
Protein context (NP_001364469.1, residues 590-610): TRDELLSARD[Glu600Lys]ILLLHQAAAK

ClinVar aggregate classification (germline): Uncertain significance. Review status: criteria provided, multiple submitters, no conflicts (2 of 4 stars). 2 submissions from 2 submitters: Uncertain significance (2). Last evaluated 2026-01-28.

Conditions:
Brugada syndrome. Also called: Sudden unexpected nocturnal death syndrome; Sudden unexplained nocturnal death syndrome; Sudden Unexplained Death Syndrome; Sudden Unexplained Nocturnal Death Syndrome (SUNDS). Identifiers: Orphanet 130, MedGen C1142166, MONDO:0015263.

Allele frequency attached by ClinVar (database versions not stated): TOPMed 0.00004; gnomAD 0.00003; ExAC 0.00001; gnomAD exomes 0.00005.
gnomAD v4.1: 77 of 1,614,052 alleles (0.0048%); highest among the groups gnomAD compares: Non-Finnish European, 0.0057%; no homozygotes.

Submissions (2):

Labcorp Genetics (formerly Invitae), Labcorp
Classification: Uncertain significance for Brugada syndrome. Last evaluated: 2026-01-28. Review status: criteria provided, single submitter. Criteria: Invitae Variant Classification Sherloc (09022015). Collection method: clinical testing. Allele origin: germline.
Comment: This sequence change replaces glutamic acid, which is acidic and polar, with lysine, which is basic and polar, at codon 566 of the SLMAP protein (p.Glu566Lys). This variant is present in population databases (rs753780730, gnomAD 0.002%). This variant has not been reported in the literature in individuals affected with SLMAP-related conditions. ClinVar contains an entry for this variant (Variation ID: 1778234). An algorithm developed to predict the effect of missense changes on protein structure and function (PolyPhen-2) suggests that this variant is likely to be disruptive. In summary, the available evidence is currently insufficient to determine the role of this variant in disease. Therefore, it has been classified as a Variant of Uncertain Significance.

Ambry Genetics
Classification: Uncertain significance. Last evaluated: 2025-05-07. Review status: criteria provided, single submitter. Criteria: Ambry Variant Classification Scheme 2023. Collection method: clinical testing. Allele origin: germline.